The following is an entry in ClinVar:

ClinVar aggregate classification (germline): Uncertain significance (1 of 4 stars; one submission).

Conditions:
Arrhythmogenic right ventricular dysplasia 10. Also called: Arrhythmogenic Right Ventricular Dysplasia/Cardiomyopathy10; ARRHYTHMOGENIC RIGHT VENTRICULAR DYSPLASIA, FAMILIAL, 10; Arrhythmogenic right ventricular dysplasia/cardiomyopathy, type 10. Identifiers: MedGen C1857777, MONDO:0012434, OMIM 610193.

Allele frequency attached by ClinVar (database versions not stated): ExAC 0.00001; gnomAD exomes 0.00001.

Submission:

Labcorp Genetics (formerly Invitae), Labcorp
Classification: Uncertain significance for Arrhythmogenic right ventricular dysplasia 10. Last evaluated: 2022-04-18. Review status: criteria provided, single submitter. Criteria: Invitae Variant Classification Sherloc (09022015). Collection method: clinical testing. Allele origin: germline.
Comment: In summary, the available evidence is currently insufficient to determine the role of this variant in disease. Therefore, it has been classified as a Variant of Uncertain Significance. Variants that disrupt the consensus splice site are a relatively common cause of aberrant splicing (PMID: 17576681, 9536098). Algorithms developed to predict the effect of sequence changes on RNA splicing suggest that this variant may disrupt the consensus splice site. This variant has not been reported in the literature in individuals affected with DSG2-related conditions. This variant is not present in population databases (gnomAD no frequency). This sequence change falls in intron 2 of the DSG2 gene. It does not directly change the encoded amino acid sequence of the DSG2 protein. It affects a nucleotide within the consensus splice site.

Literature cited by the submitters: PubMed 17576681; PubMed 9536098.

NM_001943.5(DSG2):c.81+5_81+6del

Gene: DSG2 (desmoglein 2; plus strand). Cytogenetic location: 18q12.1.
Variant type: Deletion.
Coding change: c.81+5_81+6del on transcript NM_001943.5 (MANE Select); bases 5 to 6 of the intron after coding-DNA position 81, 2 bases deleted (GG; older notation c.81+5_81+6delGG).
Molecular consequence: intron variant.
Genome position (GRCh38, 1-based): chr18:31,518,279-31,518,280, GG deleted. VCF-style (leftmost placement, unchanged base first): chr18-31518278-AGG-A. GRCh37 (hg19) VCF-style: chr18-29098241-AGG-A.
Identifiers: ClinVar variation 1934468 (VCV001934468.5), dbSNP rs753541660, ClinGen allele CA050034.